The following is an entry in ClinVar:

ClinVar aggregate classification (germline): Uncertain significance (1 of 4 stars; one submission).

Submission:

Labcorp Genetics (formerly Invitae), Labcorp
Classification: Uncertain significance. Last evaluated: 2022-10-05. Review status: criteria provided, single submitter. Criteria: Invitae Variant Classification Sherloc (09022015). Collection method: clinical testing. Allele origin: germline.
Comment: In summary, the available evidence is currently insufficient to determine the role of this variant in disease. Therefore, it has been classified as a Variant of Uncertain Significance. Algorithms developed to predict the effect of missense changes on protein structure and function are either unavailable or do not agree on the potential impact of this missense change (SIFT: "Deleterious"; PolyPhen-2: "Benign"; Align-GVGD: "Class C0"). ClinVar contains an entry for this variant (Variation ID: 1499424). This variant has not been reported in the literature in individuals affected with PCDH15-related conditions. This variant is not present in population databases (gnomAD no frequency). This sequence change replaces serine, which is neutral and polar, with phenylalanine, which is neutral and non-polar, at codon 1657 of the PCDH15 protein (p.Ser1657Phe).

NM_033056.4(PCDH15):c.4970C>T (p.Ser1657Phe)

Gene: PCDH15 (protocadherin related 15; minus strand). Cytogenetic location: 10q21.1.
Variant type: single nucleotide variant.
Coding change: c.4970C>T on transcript NM_033056.4 (MANE Plus Clinical); coding-DNA position 4970, C replaced by T.
Protein change: p.Ser1657Phe; replaces serine 1657 with phenylalanine.
Molecular consequence: missense variant. On other transcripts: intron variant (8).
Genome position (GRCh38, 1-based): chr10:53,822,756, G>A on the plus strand (C>T on the coding strand, the complement: PCDH15 is on the minus strand). VCF-style: chr10-53822756-G-A. GRCh37 (hg19) VCF-style: chr10-55582516-G-A.
Other names: c.4901C>T, p.Ser1634Phe (NM_001142773.2); c.4904C>T, p.Ser1635Phe (NM_001354404.2); c.4367+4637C>T (NM_001354420.2, NM_001354429.2); c.4368-2526C>T (NM_001384140.1); c.4373+2380C>T (NM_001142772.2, NM_001142770.3); c.4388+2380C>T (NM_001142771.2); c.4388+4637C>T (NM_001354411.2); c.4409+2380C>T (NM_001142769.3); and 6 more; short protein forms S1588F, S1635F, S1634F, S1637F, S1654F, S1659F, S1617F, S1657F.
Identifiers: ClinVar variation 1499424 (VCV001499424.8), dbSNP rs2132500236, ClinGen allele CA376526172.